The following is an entry in ClinVar:

ClinVar aggregate classification (germline): Uncertain significance (1 of 4 stars; one submission).

Submission:

Labcorp Genetics (formerly Invitae), Labcorp
Classification: Uncertain significance. Last evaluated: 2020-10-07. Review status: criteria provided, single submitter. Criteria: Invitae Variant Classification Sherloc (09022015). Collection method: clinical testing. Allele origin: germline.
Comment: This variant is not present in population databases (ExAC no frequency). This sequence change creates a premature translational stop signal (p.Ile131*) in the TOP2B gene. It is expected to result in an absent or disrupted protein product. However, the current clinical and genetic evidence is not sufficient to establish whether loss-of-function variants in TOP2B cause disease. This variant has not been reported in the literature in individuals with TOP2B-related conditions. In summary, the available evidence is currently insufficient to determine the role of this variant in disease. Therefore, it has been classified as a Variant of Uncertain Significance.

NM_001330700.2(TOP2B):c.406_409del (p.Asn135_Ile136insTer)

Gene: TOP2B (DNA topoisomerase II beta; minus strand). Cytogenetic location: 3p24.2.
Variant type: Deletion.
Coding change: c.406_409del on transcript NM_001330700.2 (MANE Select); coding-DNA positions 406 to 409, 4 bases deleted (ATTA; older notation c.406_409delATTA).
Protein change: p.Asn135_Ile136insTer.
Molecular consequence: nonsense.
Genome position (GRCh38, 1-based): chr3:25,638,297-25,638,300, TAAT deleted on the plus strand (ATTA on the coding strand, the reverse complement: TOP2B is on the minus strand). VCF-style (leftmost placement, unchanged base first): chr3-25638296-ATAAT-A. GRCh37 (hg19) VCF-style: chr3-25679787-ATAAT-A.
Other names: c.391_394del, p.Asn130_Ile131insTer (NM_001068.3).
Identifiers: ClinVar variation 1024584 (VCV001024584.5), dbSNP rs1703158547, ClinGen allele CA1352436350.